The following is an entry in ClinVar:

ClinVar aggregate classification (germline): Uncertain significance (1 of 4 stars; one submission).

gnomAD v4.1: 2 of 1,614,208 alleles (0.00012%); highest among the groups gnomAD compares: Admixed American, 0.0017%; no homozygotes.

Submission:

Labcorp Genetics (formerly Invitae), Labcorp
Classification: Uncertain significance. Last evaluated: 2025-12-01. Review status: criteria provided, single submitter. Criteria: Invitae Variant Classification Sherloc (09022015). Collection method: clinical testing. Allele origin: germline.
Comment: This sequence change replaces leucine, which is neutral and non-polar, with valine, which is neutral and non-polar, at codon 364 of the LEMD3 protein (p.Leu364Val). This variant is present in population databases (no rsID available, gnomAD 0.003%). This variant has not been reported in the literature in individuals affected with LEMD3-related conditions. Invitae Evidence Modeling of protein sequence and biophysical properties (such as structural, functional, and spatial information, amino acid conservation, physicochemical variation, residue mobility, and thermodynamic stability) indicates that this missense variant is not expected to disrupt LEMD3 protein function with a negative predictive value of 80%. In summary, the available evidence is currently insufficient to determine the role of this variant in disease. Therefore, it has been classified as a Variant of Uncertain Significance.

NM_014319.5(LEMD3):c.1090C>G (p.Leu364Val)

Genes: LEMD3 (LEM domain containing 3; plus strand), LOC130008225 (ATAC-STARR-seq lymphoblastoid active region 6608; plus strand). Cytogenetic location: 12q14.3.
Variant type: single nucleotide variant.
Coding change: c.1090C>G on transcript NM_014319.5 (MANE Select); coding-DNA position 1090, C replaced by G.
Protein change: p.Leu364Val; replaces leucine 364 with valine.
Molecular consequence: missense variant.
Genome position (GRCh38, 1-based): chr12:65,170,686, C>G. VCF-style: chr12-65170686-C-G. GRCh37 (hg19) VCF-style: chr12-65564466-C-G.
Other names: c.1090C>G, p.Leu364Val (NM_001167614.2); short protein forms L364V.
Identifiers: ClinVar variation 4768802 (VCV004768802.1).